The following is an entry in ClinVar:

NM_018191.4(RCBTB1):c.57G>A (p.Ala19=)

Gene: RCBTB1 (RCC1 and BTB domain containing protein 1; minus strand). Cytogenetic location: 13q14.2.
Variant type: single nucleotide variant.
Coding change: c.57G>A on transcript NM_018191.4 (MANE Select); coding-DNA position 57, G replaced by A.
Protein change: p.Ala19=; no amino-acid change (alanine 19 retained).
Molecular consequence: synonymous variant. On other transcripts: 5 prime UTR variant (1), non-coding transcript variant (2).
Genome position (GRCh38, 1-based): chr13:49,567,223, C>T on the plus strand (G>A on the coding strand, the complement: RCBTB1 is on the minus strand). VCF-style: chr13-49567223-C-T. GRCh37 (hg19) VCF-style: chr13-50141359-C-T.
Other names: c.57G>A, p.Ala19= (NM_001352500.2, NM_001352501.2, NM_001352502.2 and 3 more transcripts); c.-553G>A (NM_001352506.2); c.57G>A (NM_018191.3).
Identifiers: ClinVar variation 1633034 (VCV001633034.10), dbSNP rs1206940106, ClinGen allele CA483756242.

ClinVar aggregate classification (germline): Likely benign. Review status: criteria provided, single submitter (1 of 4 stars). 2 submissions from 2 submitters: Likely benign (1). 1 of the submissions does not count toward it. Last evaluated 2022-08-07.

Conditions:
RCBTB1-related disorder. Also called: RCBTB1-related condition.

Allele frequency attached by ClinVar (database versions not stated): gnomAD 0.00001; gnomAD exomes 0.00001; TOPMed 0.00001.
gnomAD v4.1: 14 of 1,613,928 alleles (0.00087%); highest among the groups gnomAD compares: African/African-American, 0.0053%; no homozygotes.

Submissions (2):

Labcorp Genetics (formerly Invitae), Labcorp
Classification: Likely benign. Last evaluated: 2022-08-07. Review status: criteria provided, single submitter. Criteria: Invitae Variant Classification Sherloc (09022015). Collection method: clinical testing. Allele origin: germline.

PreventionGenetics, part of Exact Sciences
Classification: Likely benign for RCBTB1-related condition. Last evaluated: 2019-04-01. Review status: no assertion criteria provided. Collection method: clinical testing. Allele origin: germline. Not counted in ClinVar's aggregate classification.
Comment: This variant is classified as likely benign based on ACMG/AMP sequence variant interpretation guidelines (Richards et al. 2015 PMID: 25741868, with internal and published modifications).